The following is an entry in ClinVar:

ClinVar aggregate classification (germline): Benign/Likely benign. Review status: criteria provided, multiple submitters, no conflicts (2 of 4 stars). 6 submissions from 6 submitters: Benign (3); Likely benign (3). Last evaluated 2026-01-19.

Allele frequency attached by ClinVar (database versions not stated): gnomAD exomes 0.00033 and 0.00083; ExAC 0.00174; ESP Exome Variant Server 0.00313; gnomAD 0.00334 and 0.00351; 1000 Genomes Project 0.00359; 1000 Genomes Project 30x 0.00359; TOPMed 0.00361.
gnomAD v4.1: 994 of 1,595,370 alleles (0.062%); highest among the groups gnomAD compares: African/African-American, 1%; 4 homozygotes.

Submissions (6):

Labcorp Genetics (formerly Invitae), Labcorp
Classification: Benign. Last evaluated: 2026-01-19. Review status: criteria provided, single submitter. Criteria: Invitae Variant Classification Sherloc (09022015). Collection method: clinical testing. Allele origin: germline.

Blueprint Genetics
Classification: Likely benign. Last evaluated: 2024-09-02. Review status: criteria provided, single submitter. Criteria: ACMG Guidelines, 2015. Collection method: clinical testing. Allele origin: germline.

CeGaT Center for Human Genetics Tuebingen
Classification: Benign. Last evaluated: 2023-05-01. Review status: criteria provided, single submitter. Criteria: CeGaT Center For Human Genetics Tuebingen Variant Classification Criteria Version 2. Collection method: clinical testing. Allele origin: germline. Affected: yes. Observed: 1 variant allele.
Comment: OTOGL: BS1, BS2

GeneDx
Classification: Likely benign. Last evaluated: 2021-06-08. Review status: criteria provided, single submitter. Criteria: GeneDx Variant Classification Process June 2021. Collection method: clinical testing. Allele origin: germline. Affected: yes.

Laboratory for Molecular Medicine, Mass General Brigham Personalized Medicine
Classification: Benign. Last evaluated: 2014-11-24. Review status: criteria provided, single submitter. Criteria: LMM Criteria. Collection method: clinical testing. Allele origin: germline. Observed: 2 variant alleles.
Comment: Leu1734Ile in exon 43 of OTOGL: This variant is not expected to have clinical si gnificance because it has been identified in 1.0% (37/3654) of African American chromosomes from a broad population by the NHLBI Exome Sequencing Project (dbSNP rs61729710).

Breakthrough Genomics
Classification: Likely benign. Review status: criteria provided, single submitter. Criteria: ACMG Guidelines, 2015. Collection method: not provided. Allele origin: germline. Inheritance: Autosomal recessive inheritance. Affected: yes.

NM_001378609.3(OTOGL):c.5227T>A (p.Leu1743Ile)

Gene: OTOGL (otogelin like; plus strand). Cytogenetic location: 12q21.31.
Variant type: single nucleotide variant.
Coding change: c.5227T>A on transcript NM_001378609.3 (MANE Select); coding-DNA position 5227, T replaced by A.
Protein change: p.Leu1743Ile; replaces leucine 1743 with isoleucine.
Molecular consequence: missense variant.
Genome position (GRCh38, 1-based): chr12:80,342,124, T>A. VCF-style: chr12-80342124-T-A. GRCh37 (hg19) VCF-style: chr12-80735904-T-A.
Other names: c.5092T>A, p.Leu1698Ile (NM_001368062.3); c.5227T>A, p.Leu1743Ile (NM_001378610.3, NM_173591.7); short protein forms L1734I, L1698I, L1743I.
Identifiers: ClinVar variation 226953 (VCV000226953.41), dbSNP rs61729710, ClinGen allele CA6701654.
Genomic context (GRCh38, chr12:80,342,124, plus strand): 5'-GTAACAATGAGAAGACCTGTTAGGAATTGTACTGAGCATGATTGCAGCCAGTGCATTGAT[T>A]TATTAAATAGAAGAATTTTCATTCCATGTCATGATAAAGTAAGTTGGAAGCAACCATAAA-3'
Protein context (NP_001365538.2, residues 1733-1753): TEHDCSQCID[Leu1743Ile]LNRRIFIPCH